The following is an entry in ClinVar:

ClinVar aggregate classification (germline): Likely benign (0 of 4 stars; one submission).

Conditions:
SLC26A8-related disorder. Also called: SLC26A8-related condition.

Allele frequency attached by ClinVar (database versions not stated): gnomAD exomes below 0.00001; ExAC 0.00001; gnomAD 0.00001; TOPMed 0.00003.
gnomAD v4.1: 3 of 1,610,634 alleles (0.00019%); highest among the groups gnomAD compares: Non-Finnish European, 0.00025%; no homozygotes.

Submission:

PreventionGenetics, part of Exact Sciences
Classification: Likely benign for SLC26A8-related condition. Last evaluated: 2019-06-27. Review status: no assertion criteria provided. Collection method: clinical testing. Allele origin: germline.
Comment: This variant is classified as likely benign based on ACMG/AMP sequence variant interpretation guidelines (Richards et al. 2015 PMID: 25741868, with internal and published modifications).

NM_052961.4(SLC26A8):c.643T>C (p.Leu215=)

Gene: SLC26A8 (solute carrier family 26 member 8; minus strand). Cytogenetic location: 6p21.31.
Variant type: single nucleotide variant.
Coding change: c.643T>C on transcript NM_052961.4 (MANE Select); coding-DNA position 643, T replaced by C.
Protein change: p.Leu215=; no amino-acid change (leucine 215 retained).
Molecular consequence: synonymous variant. On other transcripts: intron variant (1).
Genome position (GRCh38, 1-based): chr6:35,992,659, A>G on the plus strand (T>C on the coding strand, the complement: SLC26A8 is on the minus strand). VCF-style: chr6-35992659-A-G. GRCh37 (hg19) VCF-style: chr6-35960436-A-G.
Other names: c.643T>C, p.Leu215= (NM_001193476.2); c.627+5079T>C (NM_138718.3).
Identifiers: ClinVar variation 3043287 (VCV003043287.2), dbSNP rs768434254, ClinGen allele CA3775766.